The following is an entry in ClinVar:

ClinVar aggregate classification (germline): Uncertain significance. Review status: criteria provided, multiple submitters, no conflicts (2 of 4 stars). 2 submissions from 2 submitters: Uncertain significance (2). Last evaluated 2026-02-18.

Conditions:
Emery-Dreifuss muscular dystrophy 4, autosomal dominant (EDMD4). Also called: EMERY-DREIFUSS MUSCULAR DYSTROPHY 4 WITH VARIABLE FEATURES. Identifiers: Orphanet 261, MedGen C2751807, MONDO:0013071, OMIM 612998.
Autosomal recessive ataxia, Beauce type. Also called: Spinocerebellar ataxia, autosomal recessive 8; ATAXIA, RECESSIVE, OF BEAUCE; SYNE1 Deficiency; SYNE1-Related Autosomal Recessive Cerebellar Ataxia. Identifiers: Orphanet 88644, MedGen C1853116, MONDO:0012549, OMIM 610743.

Allele frequency attached by ClinVar (database versions not stated): TOPMed below 0.00001; gnomAD 0.00001; ExAC 0.00002; gnomAD exomes 0.00002.
gnomAD v4.1: 10 of 1,614,046 alleles (0.00062%); highest among the groups gnomAD compares: East Asian, 0.016%; no homozygotes.

Submissions (2):

Women's Health and Genetics/Laboratory Corporation of America, LabCorp
Classification: Uncertain significance. Last evaluated: 2026-02-18. Review status: criteria provided, single submitter. Criteria: LabCorp Variant Classification Summary - May 2015. Collection method: clinical testing. Allele origin: germline.
Comment: Variant summary: SYNE1 c.14735C>T (p.Thr4912Ile) results in a non-conservative amino acid change in the encoded protein sequence. Algorithms developed to predict the effect of missense changes on protein structure and function are either unavailable or do not agree on the potential impact of this missense change. The variant allele was found at a frequency of 2.4e-05 in 251358 control chromosomes. The available data on variant occurrences in the general population are insufficient to allow any conclusion about variant significance. To our knowledge, no occurrence of c.14735C>T in individuals affected with SYNE1-related conditions and no experimental evidence demonstrating its impact on protein function have been reported. ClinVar contains an entry for this variant (Variation ID: 1431606). Based on the evidence outlined above, the variant was classified as uncertain significance.

Labcorp Genetics (formerly Invitae), Labcorp
Classification: Uncertain significance for Emery-Dreifuss muscular dystrophy 4, autosomal dominant; Autosomal recessive ataxia, Beauce type. Last evaluated: 2025-01-14. Review status: criteria provided, single submitter. Criteria: Invitae Variant Classification Sherloc (09022015). Collection method: clinical testing. Allele origin: germline.
Comment: This sequence change replaces threonine, which is neutral and polar, with isoleucine, which is neutral and non-polar, at codon 4912 of the SYNE1 protein (p.Thr4912Ile). This variant is present in population databases (rs765961446, gnomAD 0.02%). This variant has not been reported in the literature in individuals affected with SYNE1-related conditions. ClinVar contains an entry for this variant (Variation ID: 1431606). An algorithm developed to predict the effect of missense changes on protein structure and function (PolyPhen-2) suggests that this variant is likely to be tolerated. In summary, the available evidence is currently insufficient to determine the role of this variant in disease. Therefore, it has been classified as a Variant of Uncertain Significance.

NM_182961.4(SYNE1):c.14948C>T (p.Thr4983Ile)

Gene: SYNE1 (spectrin repeat containing nuclear envelope protein 1; minus strand). Cytogenetic location: 6q25.2.
Variant type: single nucleotide variant.
Coding change: c.14948C>T on transcript NM_182961.4 (MANE Select); coding-DNA position 14948, C replaced by T.
Protein change: p.Thr4983Ile; replaces threonine 4983 with isoleucine.
Molecular consequence: missense variant.
Genome position (GRCh38, 1-based): chr6:152,329,737, G>A on the plus strand (C>T on the coding strand, the complement: SYNE1 is on the minus strand). VCF-style: chr6-152329737-G-A. GRCh37 (hg19) VCF-style: chr6-152650872-G-A.
Other names: c.14735C>T, p.Thr4912Ile (NM_033071.5); short protein forms T4983I, T4912I.
Identifiers: ClinVar variation 1431606 (VCV001431606.8), dbSNP rs765961446, ClinGen allele CA4055915.